The following is an entry in ClinVar:

Single allele

Gene: DMD (dystrophin; minus strand). Cytogenetic location: Xp21.1.
Variant type: Duplication.
Identifiers: ClinVar variation 1807253 (VCV001807253.1).

ClinVar aggregate classification (germline): Likely pathogenic (1 of 4 stars; one submission).

Submission:

Athena Diagnostics
Classification: Likely pathogenic. Last evaluated: 2021-08-25. Review status: criteria provided, single submitter. Criteria: Athena Diagnostics Criteria. Collection method: clinical testing. Allele origin: unknown.
Comment: This variant is likely to be inserted in tandem within the DMD gene and would maintain the transcript's reading frame, but is expected to disrupt protein function. Similar duplication of exons 45-55 has been identified in at least one male with dystrophinopathy. Similar deletions have not been reported in large, multi-ethnic general populations (Genome Aggregation Database (gnomAD), Cambridge, MA (URL)).

Literature cited by the submitters: PubMed 30816495; PubMed 16917894; PubMed 33101180; PubMed 33644936; PubMed 19367636.